The following is an entry in ClinVar:

ClinVar aggregate classification (germline): Uncertain significance. Review status: criteria provided, multiple submitters, no conflicts (2 of 4 stars). 3 submissions from 3 submitters: Uncertain significance (3). Last evaluated 2025-01-12.

Conditions:
Cardiovascular phenotype. Identifiers: MedGen CN230736.
Hereditary cancer-predisposing syndrome. Also called: Tumor predisposition; Neoplastic Syndromes, Hereditary; Hereditary neoplastic syndrome; Hereditary Cancer Syndrome. Identifiers: Orphanet 140162, MedGen C0027672, MeSH D009386, MONDO:0015356.
LZTR1-related disorder. Also called: LZTR1-related disorders; LZTR1-related condition.

Submissions (3):

Labcorp Genetics (formerly Invitae), Labcorp
Classification: Uncertain significance. Last evaluated: 2025-01-12. Review status: criteria provided, single submitter. Criteria: Invitae Variant Classification Sherloc (09022015). Collection method: clinical testing. Allele origin: germline.
Comment: This sequence change replaces valine, which is neutral and non-polar, with aspartic acid, which is acidic and polar, at codon 581 of the LZTR1 protein (p.Val581Asp). This variant is not present in population databases (gnomAD no frequency). This variant has not been reported in the literature in individuals affected with LZTR1-related conditions. ClinVar contains an entry for this variant (Variation ID: 2631261). Invitae Evidence Modeling of protein sequence and biophysical properties (such as structural, functional, and spatial information, amino acid conservation, physicochemical variation, residue mobility, and thermodynamic stability) indicates that this missense variant is not expected to disrupt LZTR1 protein function with a negative predictive value of 80%. In summary, the available evidence is currently insufficient to determine the role of this variant in disease. Therefore, it has been classified as a Variant of Uncertain Significance.

Ambry Genetics
Classification: Uncertain significance for Cardiovascular phenotype; Hereditary cancer-predisposing syndrome. Last evaluated: 2024-10-12. Review status: criteria provided, single submitter. Criteria: Ambry Variant Classification Scheme 2023. Collection method: clinical testing. Allele origin: germline.
Comment: The p.V581D variant (also known as c.1742T>A), located in coding exon 15 of the LZTR1 gene, results from a T to A substitution at nucleotide position 1742. The valine at codon 581 is replaced by aspartic acid, an amino acid with highly dissimilar properties. This amino acid position is conserved. In addition, this alteration is predicted to be tolerated by in silico analysis. Based on the available evidence, the clinical significance of this variant remains unclear.

PreventionGenetics, part of Exact Sciences
Classification: Uncertain significance for LZTR1-related condition. Last evaluated: 2023-08-03. Review status: criteria provided, single submitter. Criteria: ACMG Guidelines, 2015. Collection method: clinical testing. Allele origin: germline.
Comment: The LZTR1 c.1742T>A variant is predicted to result in the amino acid substitution p.Val581Asp. To our knowledge, this variant has not been reported in the literature or in a large population database, indicating this variant is rare. At this time, the clinical significance of this variant is uncertain due to the absence of conclusive functional and genetic evidence.

NM_006767.4(LZTR1):c.1742T>A (p.Val581Asp)

Gene: LZTR1 (leucine zipper like post translational regulator 1; plus strand). Cytogenetic location: 22q11.21.
Variant type: single nucleotide variant.
Coding change: c.1742T>A on transcript NM_006767.4 (MANE Select); coding-DNA position 1742, T replaced by A.
Protein change: p.Val581Asp; replaces valine 581 with aspartic acid.
Molecular consequence: missense variant.
Genome position (GRCh38, 1-based): chr22:20,994,684, T>A. VCF-style: chr22-20994684-T-A. GRCh37 (hg19) VCF-style: chr22-21348973-T-A.
Other names: short protein forms V581D.
Identifiers: ClinVar variation 2631261 (VCV002631261.4), dbSNP rs1391071569, ClinGen allele CA410778193.